The following is an entry in ClinVar:

NM_004329.3(BMPR1A):c.683G>A (p.Arg228Gln)

Gene: BMPR1A (bone morphogenetic protein receptor type 1A; plus strand). Cytogenetic location: 10q23.2.
Variant type: single nucleotide variant.
Coding change: c.683G>A on transcript NM_004329.3 (MANE Select); coding-DNA position 683, G replaced by A.
Protein change: p.Arg228Gln; replaces arginine 228 with glutamine.
Molecular consequence: missense variant.
Genome position (GRCh38, 1-based): chr10:86,917,141, G>A. VCF-style: chr10-86917141-G-A. GRCh37 (hg19) VCF-style: chr10-88676898-G-A.
Other names: short protein forms R228Q.
Identifiers: ClinVar variation 826657 (VCV000826657.16), dbSNP rs747371306, ClinGen allele CA5585588.

ClinVar aggregate classification (germline): Uncertain significance. Review status: criteria provided, multiple submitters, no conflicts (2 of 4 stars). 5 submissions from 5 submitters: Uncertain significance (5). Last evaluated 2025-10-13.

Conditions:
Polyposis syndrome, hereditary mixed, 2. Identifiers: Orphanet 157794, MedGen C1864730, MONDO:0012405, OMIM 610069.
Juvenile polyposis syndrome (JPS). Identifiers: Orphanet 2929, MedGen C0345893, MONDO:0017380, OMIM 174900.
Hereditary cancer-predisposing syndrome. Also called: Neoplastic Syndromes, Hereditary; Hereditary Cancer Syndrome; Hereditary neoplastic syndrome; Tumor predisposition. Identifiers: Orphanet 140162, MedGen C0027672, MeSH D009386, MONDO:0015356.

Allele frequency attached by ClinVar (database versions not stated): gnomAD exomes below 0.00001; ExAC 0.00001.

Submissions (5):

Color Diagnostics, LLC DBA Color Health
Classification: Uncertain significance for Hereditary cancer-predisposing syndrome. Last evaluated: 2025-10-13. Review status: criteria provided, single submitter. Criteria: ACMG Guidelines, 2015. Collection method: clinical testing. Allele origin: germline.
Comment: This missense variant replaces arginine with glutamine at codon 228 of the BMPR1A protein. Computational prediction suggests that this variant may have deleterious impact on protein structure and function. To our knowledge, functional studies have not been reported for this variant. This variant has not been reported in individuals affected with BMPR1A-related disorders in the literature. This variant has not been identified in the general population by the Genome Aggregation Database (gnomAD). The available evidence is insufficient to determine the role of this variant in disease conclusively. Therefore, this variant is classified as a Variant of Uncertain Significance.

Ambry Genetics
Classification: Uncertain significance for Hereditary cancer-predisposing syndrome. Last evaluated: 2025-09-30. Review status: criteria provided, single submitter. Criteria: Ambry Variant Classification Scheme 2023. Collection method: clinical testing. Allele origin: germline.
Comment: The p.R228Q variant (also known as c.683G>A), located in coding exon 7 of the BMPR1A gene, results from a G to A substitution at nucleotide position 683. The arginine at codon 228 is replaced by glutamine, an amino acid with highly similar properties. This amino acid position is highly conserved in available vertebrate species. In addition, this alteration is predicted to be deleterious by in silico analysis. Since supporting evidence is limited at this time, the clinical significance of this alteration remains unclear.

Labcorp Genetics (formerly Invitae), Labcorp
Classification: Uncertain significance for Juvenile polyposis syndrome. Last evaluated: 2025-07-17. Review status: criteria provided, single submitter. Criteria: Invitae Variant Classification Sherloc (09022015). Collection method: clinical testing. Allele origin: germline.
Comment: This sequence change replaces arginine, which is basic and polar, with glutamine, which is neutral and polar, at codon 228 of the BMPR1A protein (p.Arg228Gln). This variant is present in population databases (rs747371306, gnomAD 0.006%). This variant has not been reported in the literature in individuals affected with BMPR1A-related conditions. ClinVar contains an entry for this variant (Variation ID: 826657). Invitae Evidence Modeling of protein sequence and biophysical properties (such as structural, functional, and spatial information, amino acid conservation, physicochemical variation, residue mobility, and thermodynamic stability) indicates that this missense variant is not expected to disrupt BMPR1A protein function with a negative predictive value of 80%. In summary, the available evidence is currently insufficient to determine the role of this variant in disease. Therefore, it has been classified as a Variant of Uncertain Significance.

Fulgent Genetics
Classification: Uncertain significance for Juvenile polyposis syndrome; Polyposis syndrome, hereditary mixed, 2. Last evaluated: 2024-05-23. Review status: criteria provided, single submitter. Criteria: ACMG Guidelines, 2015. Collection method: clinical testing. Allele origin: germline.

Baylor Genetics
Classification: Uncertain significance for Polyposis syndrome, hereditary mixed, 2. Last evaluated: 2024-01-09. Review status: criteria provided, single submitter. Criteria: ACMG Guidelines, 2015. Collection method: clinical testing. Allele origin: unknown.